The following is an entry in ClinVar:

NM_000038.6(APC):c.4001C>G (p.Ser1334Cys)

Gene: APC (APC regulator of Wnt signaling pathway; plus strand). Cytogenetic location: 5q22.2.
Variant type: single nucleotide variant.
Coding change: c.4001C>G on transcript NM_000038.6 (MANE Select); coding-DNA position 4001, C replaced by G.
Protein change: p.Ser1334Cys; replaces serine 1334 with cysteine.
Molecular consequence: missense variant.
Genome position (GRCh38, 1-based): chr5:112,839,595, C>G. VCF-style: chr5-112839595-C-G. GRCh37 (hg19) VCF-style: chr5-112175292-C-G.
Other names: c.4001C>G, p.Ser1334Cys (NM_001127510.3, NM_001354895.2); c.3947C>G, p.Ser1316Cys (NM_001127511.3); c.4055C>G, p.Ser1352Cys (NM_001354896.2); c.4031C>G, p.Ser1344Cys (NM_001354897.2); c.3926C>G, p.Ser1309Cys (NM_001354898.2); c.3917C>G, p.Ser1306Cys (NM_001354899.2); c.3878C>G, p.Ser1293Cys (NM_001354900.2); c.3824C>G, p.Ser1275Cys (NM_001354901.2); and 5 more; short protein forms S1334C, S1316C, S1275C, S1293C, S1309C, S1233C, S1344C, S1174C.
Identifiers: ClinVar variation 630190 (VCV000630190.24), dbSNP rs764056593, ClinGen allele CA037315.

ClinVar aggregate classification (germline): Uncertain significance. Review status: criteria provided, multiple submitters, no conflicts (2 of 4 stars). 6 submissions from 6 submitters: Uncertain significance (6). Last evaluated 2025-11-18.

Conditions:
Hereditary cancer-predisposing syndrome. Also called: Neoplastic Syndromes, Hereditary; Tumor predisposition; Hereditary neoplastic syndrome; Hereditary Cancer Syndrome. Identifiers: Orphanet 140162, MedGen C0027672, MeSH D009386, MONDO:0015356.
Classic or attenuated familial adenomatous polyposis. Identifiers: MedGen CN372698, MONDO:0021057.
Familial adenomatous polyposis 1 (FAP1). Also called: POLYPOSIS, ADENOMATOUS INTESTINAL; FAMILIAL ADENOMATOUS POLYPOSIS 1, ATTENUATED. Identifiers: MedGen C2713442, MONDO:0021056, OMIM 175100. Disease mechanism: loss of function.

Allele frequency attached by ClinVar (database versions not stated): gnomAD exomes below 0.00001 and 0.00001; ExAC 0.00002.
gnomAD v4.1: 2 of 1,614,136 alleles (0.00012%); highest among the groups gnomAD compares: Non-Finnish European, 0.00017%; no homozygotes.

Submissions (6):

Ambry Genetics
Classification: Uncertain significance for Hereditary cancer-predisposing syndrome. Last evaluated: 2025-11-18. Review status: criteria provided, single submitter. Criteria: Ambry Variant Classification Scheme 2023. Collection method: clinical testing. Allele origin: germline.
Comment: The p.S1334C variant (also known as c.4001C>G), located in coding exon 15 of the APC gene, results from a C to G substitution at nucleotide position 4001. The serine at codon 1334 is replaced by cysteine, an amino acid with dissimilar properties. This amino acid position is poorly conserved in available vertebrate species. In addition, in silico predictors for this gene do not accurately predict pathogenicity. Since supporting evidence is limited at this time, the clinical significance of this alteration remains unclear.

Labcorp Genetics (formerly Invitae), Labcorp
Classification: Uncertain significance for Familial adenomatous polyposis 1. Last evaluated: 2025-04-20. Review status: criteria provided, single submitter. Criteria: Invitae Variant Classification Sherloc (09022015). Collection method: clinical testing. Allele origin: germline.
Comment: This sequence change replaces serine, which is neutral and polar, with cysteine, which is neutral and slightly polar, at codon 1334 of the APC protein (p.Ser1334Cys). This variant is present in population databases (rs764056593, gnomAD 0.002%). This variant has not been reported in the literature in individuals affected with APC-related conditions. ClinVar contains an entry for this variant (Variation ID: 630190). Invitae Evidence Modeling of protein sequence and biophysical properties (such as structural, functional, and spatial information, amino acid conservation, physicochemical variation, residue mobility, and thermodynamic stability) indicates that this missense variant is not expected to disrupt APC protein function with a negative predictive value of 95%. In summary, the available evidence is currently insufficient to determine the role of this variant in disease. Therefore, it has been classified as a Variant of Uncertain Significance.

GeneDx
Classification: Uncertain significance. Last evaluated: 2024-02-20. Review status: criteria provided, single submitter. Criteria: GeneDx Variant Classification Process June 2021. Collection method: clinical testing. Allele origin: germline. Affected: yes.
Comment: Not observed at significant frequency in large population cohorts (gnomAD); In silico analysis supports that this missense variant does not alter protein structure/function; Has not been previously published as pathogenic or benign to our knowledge; This variant is associated with the following publications: (PMID: 18199528)

All of Us Research Program, National Institutes of Health
Classification: Uncertain significance for Classic or attenuated familial adenomatous polyposis. Last evaluated: 2023-12-01. Review status: criteria provided, single submitter. Criteria: ACMG Guidelines, 2015. Collection method: clinical testing. Allele origin: germline. Inheritance: Autosomal dominant inheritance. Observed: 2 variant alleles, 2 heterozygotes.
Comment: This missense variant replaces serine with cysteine at codon 1334 of the APC protein. Computational prediction suggests that this variant may not impact protein structure and function (internally defined REVEL score threshold <= 0.5, PMID: 27666373). To our knowledge, functional studies have not been reported for this variant. This variant has not been reported in individuals affected with APC-related disorders in the literature. This variant has been identified in 3/251122 chromosomes in the general population by the Genome Aggregation Database (gnomAD). The available evidence is insufficient to determine the role of this variant in disease conclusively. Therefore, this variant is classified as a Variant of Uncertain Significance.

This study involves interpretation of variants in research participants for the purpose of population health screening. Participant phenotype was not available at the time of variant classification. Additional details can be found in publication PMID: 35346344, PMCID: PMC8962531

Baylor Genetics
Classification: Uncertain significance for Familial adenomatous polyposis 1. Last evaluated: 2023-06-02. Review status: criteria provided, single submitter. Criteria: ACMG Guidelines, 2015. Collection method: clinical testing. Allele origin: unknown.

Color Diagnostics, LLC DBA Color Health
Classification: Uncertain significance for Hereditary cancer-predisposing syndrome. Last evaluated: 2023-03-22. Review status: criteria provided, single submitter. Criteria: ACMG Guidelines, 2015. Collection method: clinical testing. Allele origin: germline.
Comment: This missense variant replaces serine with cysteine at codon 1334 of the APC protein. Computational prediction suggests that this variant may not impact protein structure and function (internally defined REVEL score threshold <= 0.5, PMID: 27666373). To our knowledge, functional studies have not been reported for this variant. This variant has not been reported in individuals affected with APC-related disorders in the literature. This variant has been identified in 3/251122 chromosomes in the general population by the Genome Aggregation Database (gnomAD). The available evidence is insufficient to determine the role of this variant in disease conclusively. Therefore, this variant is classified as a Variant of Uncertain Significance.